The following is an entry in ClinVar:

NM_000142.5(FGFR3):c.1576A>G (p.Met526Val)

Gene: FGFR3 (fibroblast growth factor receptor 3; plus strand). Cytogenetic location: 4p16.3.
Variant type: single nucleotide variant.
Coding change: c.1576A>G on transcript NM_000142.5 (MANE Select); coding-DNA position 1576, A replaced by G.
Protein change: p.Met526Val; replaces methionine 526 with valine.
Molecular consequence: missense variant. On other transcripts: non-coding transcript variant (1).
Genome position (GRCh38, 1-based): chr4:1,805,600, A>G. VCF-style: chr4-1805600-A-G. GRCh37 (hg19) VCF-style: chr4-1807327-A-G.
Other names: c.1582A>G, p.Met528Val (NM_001163213.2); c.1579A>G, p.Met527Val (NM_001354809.2, NM_001354810.2); c.1240A>G, p.Met414Val (NM_022965.4); short protein forms M526V, M528V, M414V, M527V.
Identifiers: ClinVar variation 518135 (VCV000518135.5), dbSNP rs766053734, ClinGen allele CA2810477.

ClinVar aggregate classification (germline): Conflicting classifications of pathogenicity. Review status: criteria provided, conflicting classifications (1 of 4 stars). 2 submissions from 2 submitters: Uncertain significance (1); Likely benign (1). Last evaluated 2025-05-05.

Allele frequency attached by ClinVar (database versions not stated): gnomAD exomes 0.00001 and 0.00002; ExAC 0.00002; gnomAD 0.00002 and 0.00003; TOPMed 0.00002.
gnomAD v4.1: 10 of 1,613,178 alleles (0.00062%); highest among the groups gnomAD compares: Admixed American, 0.01%; no homozygotes.

Submissions (2):

Labcorp Genetics (formerly Invitae), Labcorp
Classification: Uncertain significance. Last evaluated: 2025-05-05. Review status: criteria provided, single submitter. Criteria: Invitae Variant Classification Sherloc (09022015). Collection method: clinical testing. Allele origin: germline.
Comment: This sequence change replaces methionine, which is neutral and non-polar, with valine, which is neutral and non-polar, at codon 526 of the FGFR3 protein (p.Met526Val). This variant is present in population databases (rs766053734, gnomAD 0.01%). This variant has not been reported in the literature in individuals affected with FGFR3-related conditions. ClinVar contains an entry for this variant (Variation ID: 518135). Invitae Evidence Modeling of protein sequence and biophysical properties (such as structural, functional, and spatial information, amino acid conservation, physicochemical variation, residue mobility, and thermodynamic stability) indicates that this missense variant is expected to disrupt FGFR3 protein function with a positive predictive value of 95%. In summary, the available evidence is currently insufficient to determine the role of this variant in disease. Therefore, it has been classified as a Variant of Uncertain Significance.

GeneDx
Classification: Likely benign. Last evaluated: 2017-06-22. Review status: criteria provided, single submitter. Criteria: GeneDx Variant Classification (06012015). Collection method: clinical testing. Allele origin: germline. Affected: yes.
Comment: This variant is considered likely benign or benign based on one or more of the following criteria: it is a conservative change, it occurs at a poorly conserved position in the protein, it is predicted to be benign by multiple in silico algorithms, and/or has population frequency not consistent with disease.